The following is an entry in ClinVar:

NM_001035.3(RYR2):c.11968G>A (p.Val3990Ile)

Gene: RYR2 (ryanodine receptor 2; plus strand). Cytogenetic location: 1q43.
Variant type: single nucleotide variant.
Coding change: c.11968G>A on transcript NM_001035.3 (MANE Select); coding-DNA position 11968, G replaced by A.
Protein change: p.Val3990Ile; replaces valine 3990 with isoleucine.
Molecular consequence: missense variant.
Genome position (GRCh38, 1-based): chr1:237,783,680, G>A. VCF-style: chr1-237783680-G-A. GRCh37 (hg19) VCF-style: chr1-237946980-G-A.
Other names: c.11968G>A, p.Val3990Ile (LRG_402t1); short protein forms V3990I.
Identifiers: ClinVar variation 496651 (VCV000496651.2), dbSNP rs1210103464, ClinGen allele CA345411792.

ClinVar aggregate classification (germline): Uncertain significance. Review status: criteria provided, multiple submitters, no conflicts (2 of 4 stars). 2 submissions from 2 submitters: Uncertain significance (2). Last evaluated 2021-11-14.

Conditions:
Arrhythmogenic right ventricular dysplasia 2. Identifiers: MedGen C1832931.
Catecholaminergic polymorphic ventricular tachycardia 1. Also called: RYR2-Related Catecholaminergic Polymorphic Ventricular Tachycardia; VENTRICULAR TACHYCARDIA, CATECHOLAMINERGIC POLYMORPHIC, 1, WITH OR WITHOUT ATRIAL DYSFUNCTION AND/OR DILATED CARDIOMYOPATHY; VENTRICULAR TACHYCARDIA, STRESS-INDUCED POLYMORPHIC 1. Identifiers: Orphanet 3286, MedGen C1631597, MONDO:0011484, OMIM 604772.
Ventricular arrhythmias due to cardiac ryanodine receptor calcium release deficiency syndrome. Also called: Autosomal dominant cardiac arrhythmia (Kuhn). Identifiers: MedGen C5542154, MONDO:0020745, OMIM 115000.
Arrhythmogenic right ventricular cardiomyopathy (ARVD). Also called: Arrhythmogenic cardiomyopathy; Arrhythmogenic Right Ventricular Cardiomyopathy (ARVC); Cardiomyopathy, ARVC; Arrhythmogenic right ventricular dysplasia. Identifiers: Orphanet 247, MedGen C0349788, MeSH D019571, MONDO:0016587. Disease mechanism: loss of function. Inheritance: Various modes of inheritance.

Allele frequency attached by ClinVar (database versions not stated): gnomAD 0.00001; TOPMed 0.00001.

Submissions (2):

Fulgent Genetics
Classification: Uncertain significance for Ventricular arrhythmias due to cardiac ryanodine receptor calcium release deficiency syndrome; Catecholaminergic polymorphic ventricular tachycardia 1. Last evaluated: 2021-11-14. Review status: criteria provided, single submitter. Criteria: ACMG Guidelines, 2015. Collection method: clinical testing. Allele origin: unknown.

CSER _CC_NCGL, University of Washington
Classification: Uncertain significance for Arrhythmogenic right ventricular dysplasia. Last evaluated: 2016-10-01. Review status: criteria provided, single submitter. Criteria: Amendola et al. (Genome Res. 2015). Collection method: research. Allele origin: germline. Affected: no. Study: CSER - NEXT Medicine variant annotation.
Comment: This interpretation considers GERP score and allele frequency data, in addition to published reports of the variant in the literature, available at the time of review.